The following is an entry in ClinVar:

ClinVar aggregate classification (germline): Uncertain significance (1 of 4 stars; one submission).

gnomAD v4.1: 5 of 1,610,864 alleles (0.00031%); highest among the groups gnomAD compares: Non-Finnish European, 0.00042%; no homozygotes.

Submission:

Ambry Genetics
Classification: Uncertain significance. Last evaluated: 2024-10-17. Review status: criteria provided, single submitter. Criteria: Ambry Variant Classification Scheme 2023. Collection method: clinical testing. Allele origin: germline.
Comment: The p.I1247V variant (also known as c.3739A>G), located in coding exon 16 of the WNK2 gene, results from an A to G substitution at nucleotide position 3739. The isoleucine at codon 1247 is replaced by valine, an amino acid with highly similar properties. This amino acid position is conserved. In addition, this alteration is predicted to be tolerated by in silico analysis. Based on the available evidence, the clinical significance of this variant remains unclear.

NM_006648.4(WNK2):c.3739A>G (p.Ile1247Val)

Gene: WNK2 (WNK lysine deficient protein kinase 2; plus strand). Cytogenetic location: 9q22.31.
Variant type: single nucleotide variant.
Coding change: c.3739A>G on transcript NM_006648.4 (MANE Select); coding-DNA position 3739, A replaced by G.
Protein change: p.Ile1247Val; replaces isoleucine 1247 with valine.
Molecular consequence: missense variant.
Genome position (GRCh38, 1-based): chr9:93,267,788, A>G. VCF-style: chr9-93267788-A-G. GRCh37 (hg19) VCF-style: chr9-96030070-A-G.
Other names: c.3739A>G, p.Ile1247Val (NM_001282394.3); short protein forms I1247V.
Identifiers: ClinVar variation 3470130 (VCV003470130.1).